The following is an entry in ClinVar:

ClinVar aggregate classification (germline): Uncertain significance (1 of 4 stars; one submission).

Conditions:
Early-infantile DEE. Also called: Ohtahara syndrome; Early infantile epileptic encephalopathy; Early infantile epileptic encephalopathy with suppression bursts. Identifiers: Orphanet 1934, MedGen C0393706, MONDO:0800491.

Allele frequency attached by ClinVar (database versions not stated): gnomAD 0.00001.

Submission:

Labcorp Genetics (formerly Invitae), Labcorp
Classification: Uncertain significance for Early-infantile DEE. Last evaluated: 2021-09-14. Review status: criteria provided, single submitter. Criteria: Invitae Variant Classification Sherloc (09022015). Collection method: clinical testing. Allele origin: germline.
Comment: Algorithms developed to predict the effect of missense changes on protein structure and function (SIFT, PolyPhen-2, Align-GVGD) all suggest that this variant is likely to be tolerated. This sequence change replaces lysine with glutamine at codon 1755 of the SPTAN1 protein (p.Lys1755Gln). The lysine residue is highly conserved and there is a small physicochemical difference between lysine and glutamine. This variant is not present in population databases (ExAC no frequency). This variant has not been reported in the literature in individuals affected with SPTAN1-related conditions. In summary, the available evidence is currently insufficient to determine the role of this variant in disease. Therefore, it has been classified as a Variant of Uncertain Significance.

NM_001130438.3(SPTAN1):c.5263A>C (p.Lys1755Gln)

Gene: SPTAN1 (spectrin alpha, non-erythrocytic 1; plus strand). Cytogenetic location: 9q34.11.
Variant type: single nucleotide variant.
Coding change: c.5263A>C on transcript NM_001130438.3 (MANE Select); coding-DNA position 5263, A replaced by C.
Protein change: p.Lys1755Gln; replaces lysine 1755 with glutamine.
Molecular consequence: missense variant.
Genome position (GRCh38, 1-based): chr9:128,615,746, A>C. VCF-style: chr9-128615746-A-C. GRCh37 (hg19) VCF-style: chr9-131378025-A-C.
Other names: c.5188A>C, p.Lys1730Gln (NM_001195532.2); c.5263A>C, p.Lys1755Gln (NM_001363759.2, NM_001375310.1, NM_001375311.2 and 1 more transcripts); c.5203A>C, p.Lys1735Gln (NM_001363765.2, NM_001375314.2); c.5299A>C, p.Lys1767Gln (NM_001375312.2, NM_001375318.1); c.5248A>C, p.Lys1750Gln (NM_003127.4); short protein forms K1750Q, K1767Q, K1730Q, K1735Q, K1755Q.
Identifiers: ClinVar variation 1372453 (VCV001372453.7), dbSNP rs1857087048, ClinGen allele CA375074708.